The following is an entry in ClinVar:

ClinVar aggregate classification (germline): Conflicting classifications of pathogenicity. Review status: criteria provided, conflicting classifications (1 of 4 stars). 3 submissions from 3 submitters: Uncertain significance (2); Likely benign (1). Last evaluated 2023-03-23.

Conditions:
Hereditary cancer-predisposing syndrome. Also called: Neoplastic Syndromes, Hereditary; Tumor predisposition; Hereditary Cancer Syndrome; Hereditary neoplastic syndrome. Identifiers: Orphanet 140162, MedGen C0027672, MeSH D009386, MONDO:0015356.
Hereditary breast ovarian cancer syndrome. Also called: Hereditary breast and ovarian cancer; Hereditary breast and ovarian cancer syndrome (HBOC); Hereditary breast and ovarian cancer syndrome; Breast and ovarian cancer; Hereditary breast and/or ovarian cancer syndrome; BRCA1- and BRCA2-Associated Hereditary Breast and Ovarian Cancer. Identifiers: Orphanet 145, MedGen C0677776, MeSH D061325, MONDO:0003582. Disease mechanism: loss of function.

Submissions (3):

University of Washington Department of Laboratory Medicine, University of Washington
Classification: Likely benign for Hereditary cancer-predisposing syndrome. Last evaluated: 2023-03-23. Review status: criteria provided, single submitter. Criteria: Dines et al. (Genet Med. 2020). Collection method: curation. Allele origin: germline.
Comment: Missense variant in a coldspot region where missense variants are very unlikely to be pathogenic (PMID:31911673).

BRCA1 coldspot (exon 11 using historical exon numbering). Reclassification based on statistical prior probability

Labcorp Genetics (formerly Invitae), Labcorp
Classification: Uncertain significance for Hereditary breast ovarian cancer syndrome. Last evaluated: 2022-10-31. Review status: criteria provided, single submitter. Criteria: Invitae Variant Classification Sherloc (09022015). Collection method: clinical testing. Allele origin: germline.
Comment: This sequence change replaces asparagine, which is neutral and polar, with serine, which is neutral and polar, at codon 723 of the BRCA1 protein (p.Asn723Ser). This variant is not present in population databases (gnomAD no frequency). This variant has not been reported in the literature in individuals affected with BRCA1-related conditions. Advanced modeling of protein sequence and biophysical properties (such as structural, functional, and spatial information, amino acid conservation, physicochemical variation, residue mobility, and thermodynamic stability) performed at Invitae indicates that this missense variant is not expected to disrupt BRCA1 protein function. In summary, the available evidence is currently insufficient to determine the role of this variant in disease. Therefore, it has been classified as a Variant of Uncertain Significance.

Ambry Genetics
Classification: Uncertain significance for Hereditary cancer-predisposing syndrome. Last evaluated: 2022-04-01. Review status: criteria provided, single submitter. Criteria: Ambry Variant Classification Scheme 2023. Collection method: clinical testing. Allele origin: germline.
Comment: The p.N723S variant (also known as c.2168A>G), located in coding exon 9 of the BRCA1 gene, results from an A to G substitution at nucleotide position 2168. The asparagine at codon 723 is replaced by serine, an amino acid with highly similar properties. This amino acid position is conserved. In addition, this alteration is predicted to be tolerated by in silico analysis. Since supporting evidence is limited at this time, the clinical significance of this alteration remains unclear.

NM_007294.4(BRCA1):c.2168A>G (p.Asn723Ser)

Gene: BRCA1 (BRCA1 DNA repair associated; minus strand). Cytogenetic location: 17q21.31.
Variant type: single nucleotide variant.
Coding change: c.2168A>G on transcript NM_007294.4 (MANE Select); coding-DNA position 2168, A replaced by G.
Protein change: p.Asn723Ser; replaces asparagine 723 with serine.
Molecular consequence: missense variant. On other transcripts: intron variant (137).
Genome position (GRCh38, 1-based): chr17:43,093,363, T>C on the plus strand (A>G on the coding strand, the complement: BRCA1 is on the minus strand). VCF-style: chr17-43093363-T-C. GRCh37 (hg19) VCF-style: chr17-41245380-T-C.
Other names: c.2165A>G, p.Asn722Ser (NM_001407638.1, NM_001407644.1, NM_001407645.1 and 22 more transcripts); c.2168A>G, p.Asn723Ser (NM_001407639.1, NM_001407640.1, NM_001407641.1 and 30 more transcripts); c.2159A>G, p.Asn720Ser (NM_001407646.1, NM_001407647.1); c.2045A>G, p.Asn682Ser (NM_001407648.1, NM_001407664.1, NM_001407665.1 and 19 more transcripts); c.2042A>G, p.Asn681Ser (NM_001407649.1, NM_001407670.1, NM_001407671.1 and 11 more transcripts); c.2090A>G, p.Asn697Ser (NM_001407653.1, NM_001407654.1, NM_001407655.1 and 4 more transcripts); c.2087A>G, p.Asn696Ser (NM_001407659.1, NM_001407660.1, NM_001407661.1 and 1 more transcripts); c.2027A>G, p.Asn676Ser (NM_001407692.1, NM_001407694.1, NM_001407695.1 and 29 more transcripts); and 41 more; short protein forms N595S, N655S, N675S, N723S, N596S, N612S, N635S, N656S.
Identifiers: ClinVar variation 1787009 (VCV001787009.7), dbSNP rs2154395768, ClinGen allele CA10597667.